The following is an entry in ClinVar:

NM_005515.4(MNX1):c.400G>A (p.Ala134Thr)

Genes: MNX1 (motor neuron and pancreas homeobox 1; minus strand), LOC129999736 (ATAC-STARR-seq lymphoblastoid silent region 18858; plus strand). Cytogenetic location: 7q36.3.
Variant type: single nucleotide variant.
Coding change: c.400G>A on transcript NM_005515.4 (MANE Select); coding-DNA position 400, G replaced by A.
Protein change: p.Ala134Thr; replaces alanine 134 with threonine.
Molecular consequence: missense variant.
Genome position (GRCh38, 1-based): chr7:157,009,951, C>T on the plus strand (G>A on the coding strand, the complement: MNX1 is on the minus strand). VCF-style: chr7-157009951-C-T. GRCh37 (hg19) VCF-style: chr7-156802645-C-T.
Other names: short protein forms A134T.
Identifiers: ClinVar variation 2066417 (VCV002066417.4), dbSNP rs1306688600, ClinGen allele CA370164632.
Genomic context (GRCh38, chr7:157,009,951, plus strand): 5'-CCGGGAGGCCCGCGCCGCCCTGCGCGCCCCCAGGGTGCAGCCCCAGCGCCAGGCCCCCAG[C>T]GGCGGCGGCGGCGGCGGCGGCGGCGGCAGCGGCCGCTGCGCCCGGATGCGCGTGGTGGTG-3'
Protein context (NP_005506.3, residues 124-144): AAAAAAAAAA[Ala134Thr]GGLALGLHPG

ClinVar aggregate classification (germline): Uncertain significance (1 of 4 stars; one submission).

Submission:

Labcorp Genetics (formerly Invitae), Labcorp
Classification: Uncertain significance. Last evaluated: 2022-02-01. Review status: criteria provided, single submitter. Criteria: Invitae Variant Classification Sherloc (09022015). Collection method: clinical testing. Allele origin: germline.
Comment: In summary, the available evidence is currently insufficient to determine the role of this variant in disease. Therefore, it has been classified as a Variant of Uncertain Significance. Algorithms developed to predict the effect of missense changes on protein structure and function are either unavailable or do not agree on the potential impact of this missense change (SIFT: "Deleterious"; PolyPhen-2: "Not Available"; Align-GVGD: "Class C0"). This variant has not been reported in the literature in individuals affected with MNX1-related conditions. The frequency data for this variant in the population databases is considered unreliable, as metrics indicate insufficient coverage at this position in the gnomAD database. This sequence change replaces alanine, which is neutral and non-polar, with threonine, which is neutral and polar, at codon 134 of the MNX1 protein (p.Ala134Thr).